The following is an entry in ClinVar:

NM_004586.3(RPS6KA3):c.927C>G (p.Asn309Lys)

Gene: RPS6KA3 (ribosomal protein S6 kinase A3; minus strand). Cytogenetic location: Xp22.12.
Variant type: single nucleotide variant.
Coding change: c.927C>G on transcript NM_004586.3 (MANE Select); coding-DNA position 927, C replaced by G.
Protein change: p.Asn309Lys; replaces asparagine 309 with lysine.
Molecular consequence: missense variant.
Genome position (GRCh38, 1-based): chrX:20,177,003, G>C on the plus strand (C>G on the coding strand, the complement: RPS6KA3 is on the minus strand). VCF-style: chrX-20177003-G-C. GRCh37 (hg19) VCF-style: chrX-20195121-G-C.
Other names: short protein forms N309K.
Identifiers: ClinVar variation 2428971 (VCV002428971.4), dbSNP rs2519686663, ClinGen allele CA412518241.

ClinVar aggregate classification (germline): Uncertain significance (1 of 4 stars; one submission).

Submission:

GeneDx
Classification: Uncertain significance. Last evaluated: 2023-09-22. Review status: criteria provided, single submitter. Criteria: GeneDx Variant Classification Process June 2021. Collection method: clinical testing. Allele origin: germline.
Comment: Not observed at significant frequency in large population cohorts (gnomAD); In silico analysis supports that this missense variant has a deleterious effect on protein structure/function; Has not been previously published as pathogenic or benign to our knowledge